The following is an entry in ClinVar:

ClinVar aggregate classification (germline): Uncertain significance (1 of 4 stars; one submission).

Conditions:
Charcot-Marie-Tooth disease dominant intermediate E. Also called: CHARCOT-MARIE-TOOTH NEUROPATHY WITH FOCAL SEGMENTAL GLOMERULONEPHRITIS. Identifiers: Orphanet 93114, MedGen C4302667, MONDO:0013758, OMIM 614455.
Focal segmental glomerulosclerosis 5 (FSGS5). Identifiers: Orphanet 656, MedGen C2750475, MONDO:0013191, OMIM 613237.

Submission:

Labcorp Genetics (formerly Invitae), Labcorp
Classification: Uncertain significance for Charcot-Marie-Tooth disease dominant intermediate E; Focal segmental glomerulosclerosis 5. Last evaluated: 2021-11-21. Review status: criteria provided, single submitter. Criteria: Invitae Variant Classification Sherloc (09022015). Collection method: clinical testing. Allele origin: germline.
Comment: A copy number gain of the genomic region encompassing the full coding sequence of the INF2 gene has been identified. The boundaries of this event are unknown as they extend beyond the assayed region for this gene and therefore may encompass additional genes. As the precise location of this event is unknown, it may be in tandem or it may be located elsewhere in the genome. This variant has not been reported in the literature in individuals affected with INF2-related conditions. In summary, the available evidence is currently insufficient to determine the role of this variant in disease. Therefore, it has been classified as a Variant of Uncertain Significance.

NC_000014.8:g.(?_105167703)_(105213340_?)dup

Genes: INF2 (inverted formin 2; plus strand), ADSS1 (adenylosuccinate synthase 1; plus strand). Cytogenetic location: 14q32.33.
Variant type: Duplication.
Identifiers: ClinVar variation 1450164 (VCV001450164.1).